The following is an entry in ClinVar:

NM_025114.4(CEP290):c.2217+3G>A

Gene: CEP290 (centrosomal protein 290; minus strand). Cytogenetic location: 12q21.32.
Variant type: single nucleotide variant.
Coding change: c.2217+3G>A on transcript NM_025114.4 (MANE Select); 3 bases into the intron after coding-DNA position 2217, G replaced by A.
Molecular consequence: intron variant.
Genome position (GRCh38, 1-based): chr12:88,111,691, C>T on the plus strand (G>A on the coding strand, the complement: CEP290 is on the minus strand). VCF-style: chr12-88111691-C-T. GRCh37 (hg19) VCF-style: chr12-88505468-C-T.
Identifiers: ClinVar variation 310613 (VCV000310613.10), dbSNP rs765291878, ClinGen allele CA6712385.

ClinVar aggregate classification (germline): Conflicting classifications of pathogenicity. Review status: criteria provided, conflicting classifications (1 of 4 stars). 8 submissions from 4 submitters: Uncertain significance (6); Likely benign (1). 1 of the submissions does not count toward it. Last evaluated 2024-09-06.

Conditions:
Bardet-Biedl syndrome 14 (BBS14). Identifiers: Orphanet 110, MedGen C2673874, MONDO:0014442, OMIM 615991.
Meckel-Gruber syndrome. Also called: GRUBER SYNDROME; DYSENCEPHALIA SPLANCHNOCYSTICA; Dysencephalia splachnocystica. Identifiers: Orphanet 564, MedGen C0265215, MONDO:0018921.
Joubert syndrome. Also called: JOUBERT-BOLTSHAUSER SYNDROME; Familial aplasia of the vermis. Identifiers: Orphanet 475, MedGen C5979921, MONDO:0018772.
Nephronophthisis. Also called: Juvenile Nephronophthisis. Identifiers: Orphanet 655, MedGen C0687120, MONDO:0019005, HP:0000090.
Leber congenital amaurosis (LCA). Also called: Leber's amaurosis. Identifiers: Orphanet 65, MedGen C0339527, MeSH D057130, MONDO:0018998.
Meckel syndrome, type 4 (MKS4). Also called: MECKEL-GRUBER SYNDROME, TYPE 4. Identifiers: Orphanet 564, MedGen C1970161, MONDO:0012626, OMIM 611134.
Leber congenital amaurosis 10 (LCA10). Identifiers: Orphanet 65, MedGen C1857821, MONDO:0012723, OMIM 611755.
Senior-Loken syndrome 6 (SLSN6). Identifiers: Orphanet 3156, MedGen C1857779, MONDO:0012433, OMIM 610189.
Joubert syndrome 5 (JBTS5). Identifiers: Orphanet 2318, MedGen C1857780, MONDO:0012432, OMIM 610188.

Allele frequency attached by ClinVar (database versions not stated): TOPMed 0.00004.
gnomAD v4.1: 30 of 1,558,120 alleles (0.0019%); highest among the groups gnomAD compares: Non-Finnish European, 0.0026%; no homozygotes.

Submissions (8):

Labcorp Genetics (formerly Invitae), Labcorp
Classification: Uncertain significance for Joubert syndrome; Meckel-Gruber syndrome; Nephronophthisis. Last evaluated: 2024-09-06. Review status: criteria provided, single submitter. Criteria: Invitae Variant Classification Sherloc (09022015). Collection method: clinical testing. Allele origin: germline.
Comment: This sequence change falls in intron 21 of the CEP290 gene. It does not directly change the encoded amino acid sequence of the CEP290 protein. It affects a nucleotide within the consensus splice site. This variant is present in population databases (rs765291878, gnomAD 0.004%). This variant has not been reported in the literature in individuals affected with CEP290-related conditions. ClinVar contains an entry for this variant (Variation ID: 310613). Variants that disrupt the consensus splice site are a relatively common cause of aberrant splicing (PMID: 17576681, 9536098). Algorithms developed to predict the effect of sequence changes on RNA splicing suggest that this variant is not likely to affect RNA splicing. In summary, the available evidence is currently insufficient to determine the role of this variant in disease. Therefore, it has been classified as a Variant of Uncertain Significance.

Blueprint Genetics
Classification: Likely benign. Last evaluated: 2024-02-21. Review status: criteria provided, single submitter. Criteria: ACMG Guidelines, 2015. Collection method: clinical testing. Allele origin: germline.

Illumina Laboratory Services, Illumina
Classification: Uncertain significance for Senior-Loken syndrome 6. Last evaluated: 2018-01-13. Review status: criteria provided, single submitter. Criteria: ICSL Variant Classification Criteria 13 December 2019. Collection method: clinical testing. Allele origin: germline.

Illumina Laboratory Services, Illumina
Classification: Uncertain significance for Meckel syndrome, type 4. Last evaluated: 2018-01-13. Review status: criteria provided, single submitter. Criteria: ICSL Variant Classification Criteria 13 December 2019. Collection method: clinical testing. Allele origin: germline.

Illumina Laboratory Services, Illumina
Classification: Uncertain significance for Joubert syndrome 5. Last evaluated: 2018-01-13. Review status: criteria provided, single submitter. Criteria: ICSL Variant Classification Criteria 13 December 2019. Collection method: clinical testing. Allele origin: germline.

Illumina Laboratory Services, Illumina
Classification: Uncertain significance for Bardet-Biedl syndrome 14. Last evaluated: 2018-01-13. Review status: criteria provided, single submitter. Criteria: ICSL Variant Classification Criteria 13 December 2019. Collection method: clinical testing. Allele origin: germline.

Illumina Laboratory Services, Illumina
Classification: Uncertain significance for Leber congenital amaurosis 10. Last evaluated: 2018-01-13. Review status: criteria provided, single submitter. Criteria: ICSL Variant Classification Criteria 13 December 2019. Collection method: clinical testing. Allele origin: germline.

Natera, Inc.
Classification: Uncertain significance for Leber congenital amaurosis. Last evaluated: 2019-10-28. Review status: no assertion criteria provided. Collection method: clinical testing. Allele origin: germline. Not counted in ClinVar's aggregate classification.

Literature cited by the submitters: PubMed 17576681 (cited by Labcorp Genetics (formerly Invitae), Labcorp); PubMed 9536098 (cited by Labcorp Genetics (formerly Invitae), Labcorp).